The following is an entry in ClinVar:

NM_001378615.1(CC2D2A):c.1836C>T (p.Pro612=)

Genes: CC2D2A (coiled-coil and C2 domain containing 2A; plus strand), FBXL5 (F-box and leucine rich repeat protein 5; minus strand). Cytogenetic location: 4p15.32.
Variant type: single nucleotide variant.
Coding change: c.1836C>T on transcript NM_001378615.1 (MANE Select); coding-DNA position 1836, C replaced by T.
Protein change: p.Pro612=; no amino-acid change (proline 612 retained).
Molecular consequence: synonymous variant.
Genome position (GRCh38, 1-based): chr4:15,537,970, C>T. VCF-style: chr4-15537970-C-T. GRCh37 (hg19) VCF-style: chr4-15539593-C-T.
Other names: c.1836C>T, p.Pro612= (NM_001080522.2); c.1689C>T, p.Pro563= (NM_001378617.1).
Identifiers: ClinVar variation 501436 (VCV000501436.12), dbSNP rs763567590, ClinGen allele CA2863782.

ClinVar aggregate classification (germline): Conflicting classifications of pathogenicity. Review status: criteria provided, conflicting classifications (1 of 4 stars). 4 submissions from 4 submitters: Uncertain significance (1); Likely benign (2). 1 of the submissions does not count toward it. Last evaluated 2026-01-24.

Conditions:
Meckel-Gruber syndrome. Also called: Dysencephalia splachnocystica; DYSENCEPHALIA SPLANCHNOCYSTICA; GRUBER SYNDROME. Identifiers: Orphanet 564, MedGen C0265215, MONDO:0018921.
Joubert syndrome. Also called: JOUBERT-BOLTSHAUSER SYNDROME; Familial aplasia of the vermis. Identifiers: Orphanet 475, MedGen C5979921, MONDO:0018772.
CC2D2A-related disorder. Also called: CC2D2A-related condition; CC2D2A-related disorders. Identifiers: MedGen CN239313.

Allele frequency attached by ClinVar (database versions not stated): gnomAD 0.00001; gnomAD exomes 0.00001 and 0.00002; TOPMed 0.00001; ExAC 0.00002.
gnomAD v4.1: 19 of 1,610,124 alleles (0.0012%); highest among the groups gnomAD compares: South Asian, 0.0044%; no homozygotes.

Submissions (4):

Labcorp Genetics (formerly Invitae), Labcorp
Classification: Likely benign for Joubert syndrome; Meckel-Gruber syndrome. Last evaluated: 2026-01-24. Review status: criteria provided, single submitter. Criteria: Invitae Variant Classification Sherloc (09022015). Collection method: clinical testing. Allele origin: germline.

Blueprint Genetics
Classification: Likely benign. Last evaluated: 2021-03-15. Review status: criteria provided, single submitter. Criteria: ACMG Guidelines, 2015. Collection method: clinical testing. Allele origin: germline.

Eurofins Ntd Llc (ga)
Classification: Uncertain significance. Last evaluated: 2017-04-11. Review status: criteria provided, single submitter. Criteria: EGL Classification Definitions 2015. Collection method: clinical testing. Allele origin: germline. Observed: 1 variant allele, 1 heterozygote.

PreventionGenetics, part of Exact Sciences
Classification: Likely benign for CC2D2A-related condition. Last evaluated: 2024-09-21. Review status: no assertion criteria provided. Collection method: clinical testing. Allele origin: germline. Not counted in ClinVar's aggregate classification.
Comment: This variant is classified as likely benign based on ACMG/AMP sequence variant interpretation guidelines (Richards et al. 2015 PMID: 25741868, with internal and published modifications).